The following is an entry in ClinVar:

ClinVar aggregate classification (germline): Uncertain significance. Review status: criteria provided, multiple submitters, no conflicts (2 of 4 stars). 2 submissions from 2 submitters: Uncertain significance (2). Last evaluated 2024-08-06.

Conditions:
Arrhythmogenic cardiomyopathy with wooly hair and keratoderma. Also called: Carvajal syndrome; PALMOPLANTAR KERATODERMA WITH LEFT VENTRICULAR CARDIOMYOPATHY AND WOOLLY HAIR; Dilated cardiomyopathy with woolly hair and keratoderma; Arrhythmogenic cardiomyopathy with woolly hair and keratoderma. Identifiers: Orphanet 65282, MedGen C1854063, MONDO:0011581, OMIM 605676.
Cardiomyopathy (CMYO). Also called: Cardiomyopathies. Identifiers: Orphanet 167848, MedGen C0878544, MONDO:0004994, HP:0001638. Inheritance: Various modes of inheritance.

Allele frequency attached by ClinVar (database versions not stated): gnomAD 0.00001.
gnomAD v4.1: 6 of 1,614,042 alleles (0.00037%); highest among the groups gnomAD compares: Admixed American, 0.0017%; no homozygotes.

Submissions (2):

All of Us Research Program, National Institutes of Health
Classification: Uncertain significance for Arrhythmogenic cardiomyopathy with wooly hair and keratoderma. Last evaluated: 2024-08-06. Review status: criteria provided, single submitter. Criteria: ACMG Guidelines, 2015. Collection method: clinical testing. Allele origin: germline. Inheritance: Autosomal dominant inheritance. Observed: 1 variant allele, 1 heterozygote.
Comment: This study involves interpretation of variants in research participants for the purpose of population health screening. Participant phenotype was not available at the time of variant classification. Additional details can be found in publication PMID: 35346344, PMCID: PMC8962531

Color Diagnostics, LLC DBA Color Health
Classification: Uncertain significance for Cardiomyopathy. Last evaluated: 2019-04-08. Review status: criteria provided, single submitter. Criteria: ACMG Guidelines, 2015. Collection method: clinical testing. Allele origin: germline.
Comment: This variant is a missense variant located in the fifth Spectrin repeat of the Plakin domain of the DSP protein. Computational prediction tools and conservation analyses suggest that this variant may not impact the protein function. Computational splicing tools suggest that this variant may not impact RNA splicing. To our knowledge, functional assays have not been performed for this variant. This variant has been reported in one individual affected with dilated cardiomyopathy in the literature (PMID 26899768). This variant has not been identified in the general population by the Genome Aggregation Database (gnomAD). Available evidence is insufficient to determine the role of this variant in disease conclusively. Therefore, this variant is classified as a Variant of Uncertain Significance.

NM_004415.4(DSP):c.2186T>C (p.Met729Thr)

Gene: DSP (desmoplakin; plus strand). Cytogenetic location: 6p24.3.
Variant type: single nucleotide variant.
Coding change: c.2186T>C on transcript NM_004415.4 (MANE Select); coding-DNA position 2186, T replaced by C.
Protein change: p.Met729Thr; replaces methionine 729 with threonine.
Molecular consequence: missense variant.
Genome position (GRCh38, 1-based): chr6:7,574,141, T>C. VCF-style: chr6-7574141-T-C. GRCh37 (hg19) VCF-style: chr6-7574374-T-C.
Other names: c.2186T>C (LRG_423t1); c.2186T>C, p.Met729Thr (NM_001008844.3, NM_001319034.2); short protein forms M729T.
Identifiers: ClinVar variation 627702 (VCV000627702.5), dbSNP rs758200210, ClinGen allele CA362680757.
Genomic context (GRCh38, chr6:7,574,141, plus strand): 5'-GACAGAGTGTGCAGAATGATTCACAAGCAATTGCTGAGGTTCTCAACCAGCTTAAAGATA[T>C]GCTTGCCAACTTCAGAGGTTCTGAAAAGTACTGCTATTTACAGAATGAAGTATTTGGACT-3'
Protein context (NP_004406.2, residues 719-739): IAEVLNQLKD[Met729Thr]LANFRGSEKY